The following is an entry in ClinVar:

NM_201253.3(CRB1):c.653-1G>A

Gene: CRB1 (crumbs cell polarity complex component 1; plus strand). Cytogenetic location: 1q31.3.
Variant type: single nucleotide variant.
Coding change: c.653-1G>A on transcript NM_201253.3 (MANE Select); the canonical splice acceptor site of the intron before coding-DNA position 653, G replaced by A.
Molecular consequence: splice acceptor variant. On other transcripts: intron variant (1).
Genome position (GRCh38, 1-based): chr1:197,344,280, G>A. VCF-style: chr1-197344280-G-A. GRCh37 (hg19) VCF-style: chr1-197313410-G-A.
Other names: c.446-1G>A (NM_001257965.2); c.653-1G>A (NM_001257966.2); c.653-12551G>A (NM_001193640.2).
Identifiers: ClinVar variation 1068463 (VCV001068463.16), dbSNP rs760287363, ClinGen allele CA344082989.

ClinVar aggregate classification (germline): Pathogenic/Likely pathogenic. Review status: criteria provided, multiple submitters, no conflicts (2 of 4 stars). 8 submissions from 7 submitters: Pathogenic (5); Likely pathogenic (2). 1 of the submissions does not count toward it. Last evaluated 2025-11-18.

Conditions:
Retinitis pigmentosa 12 (RP12). Also called: RP WITH OR WITHOUT PPRPE; RP WITH OR WITHOUT PRESERVED PARAARTERIOLE RETINAL PIGMENT EPITHELIUM; RETINITIS PIGMENTOSA WITH OR WITHOUT PARAARTERIOLAR PRESERVATION OF RETINAL PIGMENT EPITHELIUM. Identifiers: Orphanet 791, MedGen C1838647, MONDO:0010818, OMIM 600105.
Leber congenital amaurosis 8 (LCA8). Identifiers: Orphanet 65, MedGen C3151202, MONDO:0013453, OMIM 613835.
CRB1-related disorder. Also called: CRB1-related condition; CRB1-related disorders.

gnomAD v4.1: 1 of 1,614,110 alleles (0.000062%); highest among the groups gnomAD compares: Non-Finnish European, 0.000085%; no homozygotes.

Submissions (8):

Labcorp Genetics (formerly Invitae), Labcorp
Classification: Pathogenic for Leber congenital amaurosis 8; Retinitis pigmentosa 12. Last evaluated: 2025-11-18. Review status: criteria provided, single submitter. Criteria: Invitae Variant Classification Sherloc (09022015). Collection method: clinical testing. Allele origin: germline.
Comment: This sequence change affects an acceptor splice site in intron 2 of the CRB1 gene. It is expected to disrupt RNA splicing. Variants that disrupt the donor or acceptor splice site typically lead to a loss of protein function (PMID: 16199547), and loss-of-function variants in CRB1 are known to be pathogenic (PMID: 10508521, 22065545, 23379534, 25412400, 26957898, 28041643, 29391521). This variant is not present in population databases (gnomAD no frequency). Disruption of this splice site has been observed in individuals with retinitis pigmentosa (PMID: 30902645). ClinVar contains an entry for this variant (Variation ID: 1068463). Algorithms developed to predict the effect of sequence changes on RNA splicing suggest that this variant may disrupt the consensus splice site. For these reasons, this variant has been classified as Pathogenic.

GeneDx
Classification: Pathogenic. Last evaluated: 2025-05-19. Review status: criteria provided, single submitter. Criteria: GeneDx Variant Classification Process June 2021. Collection method: clinical testing. Allele origin: germline. Affected: yes.
Comment: Canonical splice site variant predicted to result in a null allele in a gene for which loss of function is a known mechanism of disease; Not observed at significant frequency in large population cohorts (gnomAD); This variant is associated with the following publications: (PMID: 38892339)

Baylor Genetics
Classification: Likely pathogenic for Leber congenital amaurosis 8. Last evaluated: 2023-11-20. Review status: criteria provided, single submitter. Criteria: ACMG Guidelines, 2015. Collection method: clinical testing. Allele origin: unknown.

Genome-Nilou Lab
Classification: Pathogenic for Leber congenital amaurosis 8. Last evaluated: 2023-04-11. Review status: criteria provided, single submitter. Criteria: ACMG Guidelines, 2015. Collection method: clinical testing. Allele origin: germline. Affected: no.

Genome-Nilou Lab
Classification: Pathogenic for Retinitis pigmentosa 12. Last evaluated: 2023-04-11. Review status: criteria provided, single submitter. Criteria: ACMG Guidelines, 2015. Collection method: clinical testing. Allele origin: germline. Affected: no.

Blueprint Genetics
Classification: Likely pathogenic for CRB1-related disorders. Last evaluated: 2022-11-14. Review status: criteria provided, single submitter. Criteria: ACMG Guidelines, 2015. Collection method: clinical testing. Allele origin: germline. Affected: yes. Observed: 1 variant allele.

DBGen Ocular Genomics
Classification: Pathogenic for Retinitis pigmentosa 12. Last evaluated: 2021-06-04. Review status: criteria provided, single submitter. Criteria: ACMG Guidelines, 2015. Collection method: clinical testing. Allele origin: germline. Affected: yes. Observed: 1 variant allele.

Laboratory of Genetics in Ophthalmology, Institut Imagine
Classification: Pathogenic for Leber congenital amaurosis 8. Review status: no assertion criteria provided. Collection method: research. Allele origin: inherited. Affected: yes. Not counted in ClinVar's aggregate classification.

Literature cited by the submitters: PubMed 16199547 (cited by Labcorp Genetics (formerly Invitae), Labcorp); PubMed 10508521 (cited by Labcorp Genetics (formerly Invitae), Labcorp); PubMed 22065545 (cited by Labcorp Genetics (formerly Invitae), Labcorp); PubMed 23379534 (cited by Labcorp Genetics (formerly Invitae), Labcorp); PubMed 25412400 (cited by Labcorp Genetics (formerly Invitae), Labcorp); PubMed 26957898 (cited by Labcorp Genetics (formerly Invitae), Labcorp); PubMed 28041643 (cited by Labcorp Genetics (formerly Invitae), Labcorp); PubMed 29391521 (cited by Labcorp Genetics (formerly Invitae), Labcorp); PubMed 30902645 (cited by Labcorp Genetics (formerly Invitae), Labcorp).